The following is an entry in ClinVar:

ClinVar aggregate classification (germline): Conflicting classifications of pathogenicity. Review status: criteria provided, conflicting classifications (1 of 4 stars). 2 submissions from 2 submitters: Pathogenic (1); Uncertain significance (1). Last evaluated 2026-09-08.

Conditions:
Fabry disease. Also called: Fabry's disease; Angiokeratoma corporis diffusum; GLA DEFICIENCY; HEREDITARY DYSTOPIC LIPIDOSIS; ALPHA-GALACTOSIDASE A DEFICIENCY; ANDERSON-FABRY DISEASE. Identifiers: Orphanet 324, MedGen C0002986, MONDO:0010526, OMIM 301500, HP:0001071. Disease mechanism: loss of function, Fabry disease is due to inactivating mutations in the X-linked GLA gene resulting in deficiency of the enzyme Alpha Galactosidase-A..

Submissions (2):

Genomenon, Inc
Classification: Uncertain significance for Fabry disease. Last evaluated: 2026-09-08. Review status: criteria provided, single submitter. Criteria: Genomenon Sequence Variant Interpretation Standards - Updated. Collection method: curation. Allele origin: germline. Affected: yes.
Comment: GLA p.Leu166Gly (c.496_497delinsGG) is a deletion-insertion variant that changes the amino acid at codon 166 from Leucine to Glycine. This variant has been observed in at least one proband with clinical features consistent with Fabry disease (PMID:16595074). Functional or patient cell studies have been reported (PMID:24386359;27657681). This variant is located in a mutational hotspot and/or important functional domain. It is absent or not present at a significant frequency in gnomAD. In conclusion, we classify GLA p.Leu166Gly (c.496_497delinsGG) as a variant of uncertain significance.

Labcorp Genetics (formerly Invitae), Labcorp
Classification: Pathogenic for Fabry disease. Last evaluated: 2018-11-24. Review status: criteria provided, single submitter. Criteria: Invitae Variant Classification Sherloc (09022015). Collection method: clinical testing. Allele origin: germline.
Comment: For these reasons, this variant has been classified as Pathogenic. This variant disrupts the p.Leu166 amino acid residue in GLA. Other variant(s) that disrupt this residue have been observed in affected individuals (PMID: 17555407, 7759078), suggesting that it is a clinically significant residue. As a result, variants that disrupt this residue are likely to be causative of disease. Algorithms developed to predict the effect of missense changes on protein structure and function (SIFT, PolyPhen-2, Align-GVGD) all suggest that this variant is likely to be disruptive, but these predictions have not been confirmed by published functional studies and their clinical significance is uncertain. This variant has been observed in several individuals affected with Fabry disease (PMID: 16595074,, Invitae). This variant is not present in population databases (ExAC no frequency). This sequence change replaces leucine with glycine at codon 166 of the GLA protein (p.Leu166Gly). The leucine residue is highly conserved and there is a moderate physicochemical difference between leucine and glycine.

Literature cited by the submitters: PubMed 16595074 (cited by Genomenon, Inc and Labcorp Genetics (formerly Invitae), Labcorp); PubMed 24386359 (cited by Genomenon, Inc); PubMed 27657681 (cited by Genomenon, Inc); PubMed 17555407 (cited by Labcorp Genetics (formerly Invitae), Labcorp); PubMed 7759078 (cited by Labcorp Genetics (formerly Invitae), Labcorp).

NM_000169.3(GLA):c.496_497delinsGG (p.Leu166Gly)

Genes: GLA (galactosidase alpha; minus strand), RPL36A-HNRNPH2 (RPL36A-HNRNPH2 readthrough; plus strand). Cytogenetic location: Xq22.1.
Variant type: Indel.
Coding change: c.496_497delinsGG on transcript NM_000169.3 (MANE Select); coding-DNA positions 496 to 497, CT replaced by GG.
Protein change: p.Leu166Gly; replaces leucine 166 with glycine.
Molecular consequence: missense variant. On other transcripts: non-coding transcript variant (3), intron variant (2).
Genome position (GRCh38, 1-based): chrX:101,401,682-101,401,683, AG replaced by CC on the plus strand (CT replaced by GG on the coding strand, the reverse complement: GLA is on the minus strand). VCF-style: chrX-101401682-AG-CC. GRCh37 (hg19) VCF-style: chrX-100656670-AG-CC.
Other names: c.300+6225_300+6226delinsCC (NM_001199973.2); c.177+9860_177+9861delinsCC (NM_001199974.2); c.619_620delinsGG, p.Leu207Gly (NM_001406747.1, NM_001406749.1); c.496_497delinsGG, p.Leu166Gly (NM_001406748.1); short protein forms L166G, L207G.
Identifiers: ClinVar variation 662418 (VCV000662418.8), dbSNP rs1603041916, ClinGen allele CA915951300.